The following is an entry in ClinVar:

ClinVar aggregate classification (germline): Uncertain significance (1 of 4 stars; one submission).

Submission:

GeneDx
Classification: Uncertain significance. Last evaluated: 2024-09-30. Review status: criteria provided, single submitter. Criteria: GeneDx Variant Classification Process June 2021. Collection method: clinical testing. Allele origin: germline. Affected: yes.
Comment: Not observed at significant frequency in large population cohorts (gnomAD); In silico analysis supports that this missense variant has a deleterious effect on protein structure/function; Missense variant in a gene in which most reported pathogenic variants are truncating/loss of function; Has not been previously published as pathogenic or benign to our knowledge

NM_004484.4(GPC3):c.1269G>C (p.Trp423Cys)

Gene: GPC3 (glypican 3; minus strand). Cytogenetic location: Xq26.2.
Variant type: single nucleotide variant.
Coding change: c.1269G>C on transcript NM_004484.4 (MANE Select); coding-DNA position 1269, G replaced by C.
Protein change: p.Trp423Cys; replaces tryptophan 423 with cysteine.
Molecular consequence: missense variant.
Genome position (GRCh38, 1-based): chrX:133,692,392, C>G on the plus strand (G>C on the coding strand, the complement: GPC3 is on the minus strand). VCF-style: chrX-133692392-C-G. GRCh37 (hg19) VCF-style: chrX-132826420-C-G.
Other names: c.1338G>C, p.Trp446Cys (NM_001164617.2); c.1221G>C, p.Trp407Cys (NM_001164618.2); c.1107G>C, p.Trp369Cys (NM_001164619.2); short protein forms W369C, W407C, W423C, W446C.
Identifiers: ClinVar variation 3774882 (VCV003774882.1).